The following is an entry in ClinVar:

ClinVar aggregate classification (germline): Benign/Likely benign. Review status: criteria provided, multiple submitters, no conflicts (2 of 4 stars). 2 submissions from 2 submitters: Benign (1); Likely benign (1). Last evaluated 2025-02-16.

Conditions:
Leigh syndrome (NULS). Also called: Leigh's necrotizing encephalopathy; Leigh's disease; Leigh Syndrome (mtDNA deletion); Leigh Disease; Subacute necrotizing encephalopathy; Necrotizing encephalopathy infantile subacute of Leigh. Identifiers: Orphanet 506, MedGen C2931891, MONDO:0009723, OMIM 256000.

Submissions (2):

Laboratory of Genetics, Children's Clinical University Hospital Latvia
Classification: Likely benign. Last evaluated: 2025-02-16. Review status: criteria provided, single submitter. Criteria: ACMG Guidelines, 2015. Collection method: clinical testing. Allele origin: germline. Affected: yes.

Wong Mito Lab, Molecular and Human Genetics, Baylor College of Medicine
Classification: Benign for Leigh syndrome. Last evaluated: 2019-10-17. Review status: criteria provided, single submitter. Criteria: Modified ACMG Guidelines (Unpublished). Collection method: clinical testing. Allele origin: germline.
Comment: The NC_012920.1:m.7269G>A (YP_003024028.1:p.Val456Met) variant in MTCO1 gene is interpretated to be a Benign variant based on the modified ACMG guidelines (unpublished). This variant meets the following evidence codes: BS1, BS2, BP4

NC_012920.1(MT-CO1):m.7269G>A

Gene: MT-CO1 (mitochondrially encoded cytochrome c oxidase I; plus strand).
Variant type: single nucleotide variant.
Genome position: chrM-7269-G-A.
Identifiers: ClinVar variation 692723 (VCV000692723.2), dbSNP rs386829004, ClinGen allele CA414792161.